The following is an entry in ClinVar:

ClinVar aggregate classification (germline): Likely benign (0 of 4 stars; one submission).

Conditions:
DYSF-related disorder. Also called: DYSF-related condition; DYSF-related disorders.

Allele frequency attached by ClinVar (database versions not stated): gnomAD exomes 0.00004; ExAC 0.00009; gnomAD 0.00022; ESP Exome Variant Server 0.00023; TOPMed 0.00033; 1000 Genomes Project 0.00040; 1000 Genomes Project 30x 0.00047.
gnomAD v4.1: 101 of 1,563,188 alleles (0.0065%); highest among the groups gnomAD compares: Admixed American, 0.062%; no homozygotes.

Submission:

PreventionGenetics, part of Exact Sciences
Classification: Likely benign for DYSF-related condition. Last evaluated: 2019-05-21. Review status: no assertion criteria provided. Collection method: clinical testing. Allele origin: germline.
Comment: This variant is classified as likely benign based on ACMG/AMP sequence variant interpretation guidelines (Richards et al. 2015 PMID: 25741868, with internal and published modifications).

NM_001130987.2(DYSF):c.1493+48C>T

Gene: DYSF (dysferlin; plus strand). Cytogenetic location: 2p13.2.
Variant type: single nucleotide variant.
Coding change: c.1493+48C>T on transcript NM_001130987.2 (MANE Select); 48 bases into the intron after coding-DNA position 1493, C replaced by T.
Molecular consequence: intron variant.
Genome position (GRCh38, 1-based): chr2:71,535,359, C>T. VCF-style: chr2-71535359-C-T. GRCh37 (hg19) VCF-style: chr2-71762489-C-T.
Other names: c.1490+48C>T (NM_001130979.2, NM_001130981.2, NM_001130980.2); c.1397+48C>T (NM_001130978.2, NM_003494.4, NM_001130977.2 and 1 more transcripts); c.1493+48C>T (NM_001130982.2, NM_001130985.2); c.1400+48C>T (NM_001130983.2, NM_001130455.2, NM_001130984.2 and 1 more transcripts).
Identifiers: ClinVar variation 3038623 (VCV003038623.2), dbSNP rs199921872, ClinGen allele CA1705783.